The following is an entry in ClinVar:

ClinVar aggregate classification (germline): Pathogenic/Likely pathogenic. Review status: criteria provided, multiple submitters, no conflicts (2 of 4 stars). 16 submissions from 15 submitters: Pathogenic (13); Likely pathogenic (1). 2 of the submissions do not count toward it. Last evaluated 2026-01-14.

Conditions:
SLC26A2-related skeletal dysplasia. Identifiers: MedGen CN379209, MONDO:0100592.
SLC26A2-related disorder. Also called: SLC26A2-related condition; SLC26A2-related disorders. Identifiers: MedGen CN239404.
Multiple epiphyseal dysplasia type 4 (EDM4). Also called: Multiple Epiphyseal Dysplasia, Recessive; SLC26A2-Related Multiple Epiphyseal Dysplasia; MULTIPLE EPIPHYSEAL DYSPLASIA WITH BILAYERED PATELLAE; MULTIPLE EPIPHYSEAL DYSPLASIA WITH CLUBFOOT; MULTIPLE EPIPHYSEAL DYSPLASIA, AUTOSOMAL RECESSIVE. Identifiers: Orphanet 93307, MedGen C1847593, MONDO:0009189, OMIM 226900.
Achondrogenesis, type IB (ACG1B). Also called: Achondrogenesis Type 1B. Identifiers: Orphanet 932, Orphanet 93298, MedGen C0265274, MONDO:0010966, OMIM 600972.
Diastrophic dysplasia (DTD). Also called: Diastrophic dwarfism. Identifiers: Orphanet 628, MedGen C0220726, MONDO:0009107, OMIM 222600.
Atelosteogenesis type II (AO2). Also called: Neonatal osseous dysplasia 1; SLC26A2-Related Atelosteogenesis; NEONATAL OSSEOUS DYSPLASIA I. Identifiers: Orphanet 56304, MedGen C1850554, MONDO:0009727, OMIM 256050.
Sulfate transporter-related osteochondrodysplasia. Also called: DTDST-related dysplasias. Identifiers: MedGen CN120497. Disease mechanism: loss of function.

Submissions (16):

Labcorp Genetics (formerly Invitae), Labcorp
Classification: Pathogenic for Atelosteogenesis type II; Multiple epiphyseal dysplasia type 4; Achondrogenesis, type IB; Diastrophic dysplasia. Last evaluated: 2026-01-14. Review status: criteria provided, single submitter. Criteria: Invitae Variant Classification Sherloc (09022015). Collection method: clinical testing. Allele origin: germline.
Comment: This variant, c.1020_1022del, results in the deletion of 1 amino acid(s) of the SLC26A2 protein (p.Val341del), but otherwise preserves the integrity of the reading frame. This variant is present in population databases (rs777472333, gnomAD 0.03%). This variant has been observed in individuals with SLC26A2-related disorders (PMID: 8528239, 9637425, 10482955, 31218223). ClinVar contains an entry for this variant (Variation ID: 65558). Algorithms developed to predict the effect of variants on gene product structure and function are not available or were not evaluated for this variant. Experimental studies have shown that this variant affects SLC26A2 function (PMID: 11448940). For these reasons, this variant has been classified as Pathogenic.

PreventionGenetics, part of Exact Sciences
Classification: Pathogenic for SLC26A2-related condition. Last evaluated: 2025-12-10. Review status: criteria provided, single submitter. Criteria: ACMG Guidelines, 2015. Collection method: clinical testing. Allele origin: germline.
Comment: The SLC26A2 c.1020_1022delTGT variant is predicted to result in an in-frame deletion (p.Val341del). This variant (also referred to as p.GTT1045-1047del and p.V340del) has previously been reported as pathogenic for achondrogenesis type 1B, and functional studies also support its deleterious effect (See for example: Superti-Furga et al. 1996. PubMed ID: 8528239; Karniski et al. 2004. PubMed ID: 15294877; Cai and Hiraki. 1998. PubMed ID: 9637425; reported as c.1018_1020del, Yang et al. 2019. PubMed ID: 31218223; Smogavec et al. 2022. PubMed ID: 34974531). This variant is reported in 0.035% of alleles in individuals of East Asian descent in gnomAD. This variant is interpreted as pathogenic.

Natera, Inc.
Classification: Pathogenic for Achondrogenesis type IB. Last evaluated: 2025-09-24. Review status: criteria provided, single submitter. Criteria: Natera Variant Classification Schema (03/2026). Collection method: clinical testing. Allele origin: germline.
Comment: The c.1020_1022delTGT variant in SLC26A2 is an in-frame deletion predicted to remove valine at amino acid 341 while preserving the reading frame. This variant is rare in the general population with a frequency below the threshold expected for the associated phenotype(s). This variant has been observed in one or more individuals affected with the associated recessive disease, as either homozygous or compound heterozygous with a second variant (PMID: 8528239, 9637425, 10482955). Given the available evidence, this variant is classified as Pathogenic.

Blueprint Genetics
Classification: Pathogenic for SLC26A2-related disorders. Last evaluated: 2024-10-17. Review status: criteria provided, single submitter. Criteria: ACMG Guidelines, 2015. Collection method: clinical testing. Allele origin: germline. Affected: yes. Observed: 5 variant alleles.

Baylor Genetics
Classification: Pathogenic for Achondrogenesis, type IB. Last evaluated: 2024-03-23. Review status: criteria provided, single submitter. Criteria: ACMG Guidelines, 2015. Collection method: clinical testing. Allele origin: unknown.

Fulgent Genetics
Classification: Pathogenic for Diastrophic dysplasia; Multiple epiphyseal dysplasia type 4; Atelosteogenesis type II; Achondrogenesis, type IB. Last evaluated: 2024-01-26. Review status: criteria provided, single submitter. Criteria: ACMG Guidelines, 2015. Collection method: clinical testing. Allele origin: germline.

ARUP Laboratories, Molecular Genetics and Genomics, ARUP Laboratories
Classification: Pathogenic. Last evaluated: 2023-10-18. Review status: criteria provided, single submitter. Criteria: ARUP Molecular Germline Variant Investigation Process 2024. Collection method: clinical testing. Allele origin: germline.
Comment: The SLC26A2 c.1020_1022delTGT; p.Val341del variant (rs121908077) has been described in association with SLC26A2-related chondrodysplasias (Cai 1998, Superti-Furga 1996). It is reported as pathogenic by several laboratories in ClinVar (Variation ID: 65558) and is observed in the general population at an overall frequency of 0.01% (31/276822 alleles) in the Genome Aggregation Database. This variant deletes a single valine residue, leaving the rest of the protein product in-frame. Functional characterization of the variant protein demonstrates reduced protein expression and abnormal sulfate transporter activity (Karniski 2001, Karniski 2004, Superti-Furga 1996). Based on available information, this variant is considered pathogenic. References: Cai G et al. Mutational analysis of the DTDST gene in a fetus with achondrogenesis type 1B. Am J Med Genet. 1998 Jun 16;78(1):58-60. Karniski L et al. Mutations in the diastrophic dysplasia sulfate transporter (DTDST) gene: correlation between sulfate transport activity and chondrodysplasia phenotype. Hum Mol Genet. 2001 Jul 1;10(14):1485-90. Karniski L et al. Functional expression and cellular distribution of diastrophic dysplasia sulfate transporter (DTDST) gene mutations in HEK cells. Hum Mol Genet. 2004 Oct 1;13(19):2165-71. Superti-Furga et al. Achondrogenesis type IB is caused by mutations in the diastrophic dysplasia sulphate transporter gene. Nat Genet. 1996 Jan;12(1):100-2.

GeneDx
Classification: Pathogenic. Last evaluated: 2022-07-18. Review status: criteria provided, single submitter. Criteria: GeneDx Variant Classification Process June 2021. Collection method: clinical testing. Allele origin: germline. Affected: yes.
Comment: Published functional studies demonstrate abnormal sulfate transporter activity (Superti-Furga et al. 1996; Karniski et al. 2004); In silico analysis, which includes protein predictors and evolutionary conservation, supports a deleterious effect; In-frame deletion of one amino acid in a non-repeat region; Reported previously as c.1045_1047delGTT or p.Val340del using alternate nomenclature; This variant is associated with the following publications: (PMID: 15294877, 8528239, 20301689, 10482955, 31218223, 11448940, 9637425)

Myriad Genetics, Inc.
Classification: Likely pathogenic for SLC26A2-related skeletal dysplasia. Last evaluated: 2021-11-03. Review status: criteria provided, single submitter. Criteria: Myriad Autosomal Dominant, Autosomal Recessive and X-Linked Classification Criteria (2023). Collection method: clinical testing. Allele origin: unknown.
Comment: NM_000112.3(SLC26A2):c.1020_1022delTGT(V341del) is an in-frame deletion classified as likely pathogenic in the context of SLC26A2-related disorders. V341del has been observed in cases with relevant disease (PMID: 9637425, 8528239, 10482955). Functional assessments of this variant are available in the literature (PMID: 11448940, 15294877). V341del has been observed in population frequency databases (gnomAD: EAS 0.03%). In summary, NM_000112.3(SLC26A2):c.1020_1022delTGT(V341del) is an in-frame deletion variant that has functional support for pathogenicity and has been observed more frequently in cases with the relevant disease than in healthy populations. Please note: this variant was assessed in the context of healthy population screening.

Women's Health and Genetics/Laboratory Corporation of America, LabCorp
Classification: Pathogenic for Osteochondrodysplasia. Last evaluated: 2016-07-28. Review status: criteria provided, single submitter. Criteria: LabCorp Variant Classification Summary - May 2015. Collection method: clinical testing. Allele origin: germline.
Comment: Variant summary: The SLC26A2 c.1020_1022delTGT (p.Val341del) variant involves the deletion of a Valine in the predicted seventh transmembrane domain of the SLC26A2 protein. One in silico tool predicts a damaging outcome for this variant. This variant was found in 17/121404 control chromosomes at a frequency of 0.00014, which does not exceed the estimated maximal expected allele frequency of a pathogenic SLC26A2 variant (0.002958). The variant has been reported in multiple affected individuals in the homozygous and compound heterozygous state, and has been shown to result in impaired ability for sulfate uptake in HEK cells (comparable to negative control cells). In these transfected cells, the protein is not detected by either immunoblot analysis or confocal immunofluorescent microscopy, suggesting that this mutation is either poorly expressed or the protein is rapidly degraded in mammalian cells (Karniski_2004). In addition, multiple clinical diagnostic laboratories/reputable databases classified this variant as pathogenic, and this variant is considered a common disease variant. Taken together, this variant is classified as pathogenic.

Eurofins Ntd Llc (ga)
Classification: Pathogenic. Last evaluated: 2014-10-14. Review status: criteria provided, single submitter. Criteria: EGL Classification Definitions 2015. Collection method: clinical testing. Allele origin: germline. Observed: 1 variant allele, 1 heterozygote.

Baylor Genetics
Classification: Pathogenic for Atelosteogenesis type II. Review status: criteria provided, single submitter. Criteria: ACMG Guidelines, 2015. Collection method: clinical testing. Allele origin: germline.

Juno Genomics, Hangzhou Juno Genomics, Inc
Classification: Pathogenic for Achondrogenesis, type IB; Atelosteogenesis type II; Diastrophic dysplasia; Multiple epiphyseal dysplasia type 4. Review status: criteria provided, single submitter. Criteria: ACMG Guidelines, 2015. Collection method: clinical testing. Allele origin: germline. Affected: yes.
Comment: Absent from controls (or at extremely low frequency if recessive) in Genome Aggregation Database, Exome Sequencing Project, 1000 Genomes Project, or Exome Aggregation Consortium.;Protein length changes due to in-frame deletions/insertions in a non-repeat region or stop-loss variants.;For recessive disorders, detected in trans with a pathogenic variant.;Well-established in vitro or in vivo functional studies supportive of a damaging effect on the gene or gene product.

Medical Molecular Genetics Department, National Research Center
Classification: Pathogenic for Diastrophic dysplasia. Review status: criteria provided, single submitter. Criteria: ACMG Guidelines, 2015. Collection method: research. Allele origin: germline. Affected: yes.
Comment: The c.1020_1022delTGT; p.Val341del variant is an in-frame deletion, with low frequency in gnomAD (0.0064%). Previously reported in patients with chondrodysplasia (PMID: 8702127, PMID: 37265969, PMID: 38956600). It is classified as pathogenic (PP5, PP3, PM2) according to ACMG guidelines.

OMIM
Classification: Pathogenic for ACHONDROGENESIS, TYPE IB. Last evaluated: 1998-06-16. Review status: no assertion criteria provided. Collection method: literature only. Allele origin: germline. Not counted in ClinVar's aggregate classification.

GeneReviews
No classification provided. Condition: Diastrophic dysplasia. Review status: no classification provided. Collection method: literature only. Allele origin: unknown. Not counted in ClinVar's aggregate classification.

Literature cited by the submitters: PubMed 8528239 (cited by 5 submitters); PubMed 9637425 (cited by 5 submitters); PubMed 10482955 (cited by 4 submitters); PubMed 31218223 (cited by Labcorp Genetics (formerly Invitae), Labcorp); PubMed 11448940 (cited by Labcorp Genetics (formerly Invitae), Labcorp and Myriad Genetics, Inc.); PubMed 15294877 (cited by 3 submitters); PubMed 37265969 (cited by Medical Molecular Genetics Department, National Research Center); PubMed 20301524 (cited by GeneReviews); NCBI Bookshelf NBK1350 (cited by GeneReviews).

NM_000112.4(SLC26A2):c.1011TGT[3] (p.Val341del)

Gene: SLC26A2 (solute carrier family 26 member 2; plus strand). Cytogenetic location: 5q32.
Variant type: Microsatellite.
Coding change: c.1011TGT[3] on transcript NM_000112.4 (MANE Select); three copies in a row of the 3-base unit TGT starting at c.1011; the reference has four copies in a row; one copy, 3 bases deleted; also written c.1020_1022del.
Protein change: p.Val341del; deletes valine 341.
Molecular consequence: inframe deletion.
Genome position (GRCh38, 1-based): chr5:149,980,613-149,980,615, TGT deleted; deleting any 3 consecutive bases within chr5:149,980,603-149,980,615 gives the same sequence; the position shown is the placement nearest the transcript's 3' end. VCF-style (leftmost placement, unchanged base first): chr5-149980602-CTTG-C. GRCh37 (hg19) VCF-style: chr5-149360165-CTTG-C.
Other names: V340del; V340delV; c.1020_1022delTGT (NM_000112.3, NM_000112.4); c.1020_1022del (NM_000112.4); short protein forms V341del.
Identifiers: ClinVar variation 65558 (VCV000065558.33), dbSNP rs121908077, ClinGen allele CA259846.
Genomic context (GRCh38, chr5:149,980,602, plus strand): 5'-CCAACCAAAGAACTCAATGAACACTTCAAATCCAAGCTTAAGGCACCGATTCCTATTGAA[CTTG>C]TTGTTGTTGTAGCAGCCACATTAGCCTCTCATTTTGGAAAACTACATGAAAATTATAATT-3'